The following is an entry in ClinVar:

NM_004655.4(AXIN2):c.1456A>G (p.Lys486Glu)

Gene: AXIN2 (axin 2; minus strand). Cytogenetic location: 17q24.1.
Variant type: single nucleotide variant.
Coding change: c.1456A>G on transcript NM_004655.4 (MANE Select); coding-DNA position 1456, A replaced by G.
Protein change: p.Lys486Glu; replaces lysine 486 with glutamic acid.
Molecular consequence: missense variant.
Genome position (GRCh38, 1-based): chr17:65,537,580, T>C on the plus strand (A>G on the coding strand, the complement: AXIN2 is on the minus strand). VCF-style: chr17-65537580-T-C. GRCh37 (hg19) VCF-style: chr17-63533698-T-C.
Other names: c.1456A>G, p.Lys486Glu (NM_001363813.1); short protein forms K486E.
Identifiers: ClinVar variation 2562213 (VCV002562213.2), dbSNP rs2509414646, ClinGen allele CA400677464.

ClinVar aggregate classification (germline): Uncertain significance (1 of 4 stars; one submission).

Conditions:
Hereditary cancer-predisposing syndrome. Also called: Neoplastic Syndromes, Hereditary; Hereditary Cancer Syndrome; Hereditary neoplastic syndrome; Tumor predisposition. Identifiers: Orphanet 140162, MedGen C0027672, MeSH D009386, MONDO:0015356.

Allele frequency attached by ClinVar (database versions not stated): gnomAD exomes below 0.00001.
gnomAD v4.1: 1 of 1,608,738 alleles (0.000062%); highest among the groups gnomAD compares: Non-Finnish European, 0.000085%; no homozygotes.

Submission:

Ambry Genetics
Classification: Uncertain significance for Hereditary cancer-predisposing syndrome. Last evaluated: 2023-04-07. Review status: criteria provided, single submitter. Criteria: Ambry Variant Classification Scheme 2023. Collection method: clinical testing. Allele origin: germline.
Comment: The p.K486E variant (also known as c.1456A>G), located in coding exon 5 of the AXIN2 gene, results from an A to G substitution at nucleotide position 1456. The lysine at codon 486 is replaced by glutamic acid, an amino acid with similar properties. This amino acid position is conserved. In addition, this alteration is predicted to be tolerated by in silico analysis. Since supporting evidence is limited at this time, the clinical significance of this alteration remains unclear.